The following is an entry in ClinVar:

ClinVar aggregate classification (germline): Pathogenic (1 of 4 stars; one submission).

Submission:

Labcorp Genetics (formerly Invitae), Labcorp
Classification: Pathogenic. Last evaluated: 2023-03-12. Review status: criteria provided, single submitter. Criteria: Invitae Variant Classification Sherloc (09022015). Collection method: clinical testing. Allele origin: germline.
Comment: For these reasons, this variant has been classified as Pathogenic. This variant has not been reported in the literature in individuals affected with UBR1-related conditions. This variant is not present in population databases (gnomAD no frequency). This sequence change creates a premature translational stop signal (p.Thr109Aspfs*11) in the UBR1 gene. It is expected to result in an absent or disrupted protein product. Loss-of-function variants in UBR1 are known to be pathogenic (PMID: 24599544).

Literature cited by the submitters: PubMed 24599544.

NM_174916.3(UBR1):c.321_324dup (p.Thr109fs)

Gene: UBR1 (ubiquitin protein ligase E3 component n-recognin 1; minus strand). Cytogenetic location: 15q15.2.
Variant type: Duplication.
Coding change: c.321_324dup on transcript NM_174916.3 (MANE Select); coding-DNA positions 321 to 324, 4 bases duplicated (GACA; older notation c.321_324dupGACA).
Protein change: p.Thr109fs; shifts the reading frame from threonine 109.
Molecular consequence: frameshift variant.
Genome position (GRCh38, 1-based): chr15:43,085,998-43,086,001, TGTC duplicated on the plus strand (GACA on the coding strand, the reverse complement: UBR1 is on the minus strand); duplicating any 4 consecutive bases within chr15:43,085,998-43,086,002 gives the same sequence; the c. name uses the placement nearest the transcript's 3' end. VCF-style (leftmost placement, unchanged base first): chr15-43085997-T-TTGTC. GRCh37 (hg19) VCF-style: chr15-43378195-T-TTGTC.
Other names: short protein forms T109fs.
Identifiers: ClinVar variation 2845105 (VCV002845105.3), dbSNP rs2543044907, ClinGen allele CA2739279213.